The following is an entry in ClinVar:

NM_025099.6(CTC1):c.2897G>C (p.Arg966Pro)

Gene: CTC1 (CST telomere replication complex component 1; minus strand). Cytogenetic location: 17p13.1.
Variant type: single nucleotide variant.
Coding change: c.2897G>C on transcript NM_025099.6 (MANE Select); coding-DNA position 2897, G replaced by C.
Protein change: p.Arg966Pro; replaces arginine 966 with proline.
Molecular consequence: missense variant. On other transcripts: non-coding transcript variant (1).
Genome position (GRCh38, 1-based): chr17:8,230,330, C>G on the plus strand (G>C on the coding strand, the complement: CTC1 is on the minus strand). VCF-style: chr17-8230330-C-G. GRCh37 (hg19) VCF-style: chr17-8133648-C-G.
Other names: short protein forms R966P.
Identifiers: ClinVar variation 1496404 (VCV001496404.8), dbSNP rs759485791, ClinGen allele CA397973840.

ClinVar aggregate classification (germline): Uncertain significance (1 of 4 stars; one submission).

Conditions:
Dyskeratosis congenita. Identifiers: Orphanet 1775, MedGen C0265965, MONDO:0015780.

gnomAD v4.1: 2 of 1,613,726 alleles (0.00012%); highest among the groups gnomAD compares: Non-Finnish European, 0.00017%; no homozygotes.

Submission:

Labcorp Genetics (formerly Invitae), Labcorp
Classification: Uncertain significance for Dyskeratosis congenita. Last evaluated: 2021-06-05. Review status: criteria provided, single submitter. Criteria: Invitae Variant Classification Sherloc (09022015). Collection method: clinical testing. Allele origin: germline.
Comment: This sequence change replaces arginine with proline at codon 966 of the CTC1 protein (p.Arg966Pro). The arginine residue is highly conserved and there is a moderate physicochemical difference between arginine and proline. This variant is not present in population databases (ExAC no frequency). This variant has not been reported in the literature in individuals with CTC1-related conditions. Algorithms developed to predict the effect of missense changes on protein structure and function are either unavailable or do not agree on the potential impact of this missense change (SIFT: "Deleterious"; PolyPhen-2: "Probably Damaging"; Align-GVGD: "Class C0"). In summary, the available evidence is currently insufficient to determine the role of this variant in disease. Therefore, it has been classified as a Variant of Uncertain Significance.